The following is an entry in ClinVar:

ClinVar aggregate classification (germline): Uncertain significance (1 of 4 stars; one submission).

Conditions:
KBG syndrome (KBGS). Also called: ANKRD11-Related KBG Syndrome. Identifiers: Orphanet 2332, MedGen C0220687, MONDO:0007846, OMIM 148050.

Submission:

Labcorp Genetics (formerly Invitae), Labcorp
Classification: Uncertain significance for KBG syndrome. Last evaluated: 2023-10-20. Review status: criteria provided, single submitter. Criteria: Invitae Variant Classification Sherloc (09022015). Collection method: clinical testing. Allele origin: germline.
Comment: This variant is a gross deletion that occurs in a non-coding region of the ANKRD11 gene. It does not change the encoded amino acid sequence of the ANKRD11 protein. A similar copy number variant has been observed in individual(s) with KBG syndrome (PMID: 23494856). Experimental studies and prediction algorithms are not available or were not evaluated, and the functional significance of this variant is currently unknown. In summary, the available evidence is currently insufficient to determine the role of this variant in disease. Therefore, it has been classified as a Variant of Uncertain Significance.

Literature cited by the submitters: PubMed 23494856.

NC_000016.9:g.(?_89484692)_(89484776_?)del

Gene: ANKRD11 (ankyrin repeat domain 11; minus strand). Cytogenetic location: 16q24.3.
Variant type: Deletion.
Identifiers: ClinVar variation 2425841 (VCV002425841.4).